The following is an entry in ClinVar:

NM_001148.6(ANK2):c.6445A>G (p.Lys2149Glu)

Gene: ANK2 (ankyrin 2; plus strand). Cytogenetic location: 4q26.
Variant type: single nucleotide variant.
Coding change: c.6445A>G on transcript NM_001148.6 (MANE Select); coding-DNA position 6445, A replaced by G.
Protein change: p.Lys2149Glu; replaces lysine 2149 with glutamic acid.
Molecular consequence: missense variant. On other transcripts: intron variant (68).
Genome position (GRCh38, 1-based): chr4:113,355,063, A>G. VCF-style: chr4-113355063-A-G. GRCh37 (hg19) VCF-style: chr4-114276219-A-G.
Other names: c.6211A>G, p.Lys2071Glu (NM_001386142.1); c.2845A>G, p.Lys949Glu (NM_001386166.1); c.6586A>G, p.Lys2196Glu (NM_001386174.1); c.6562A>G, p.Lys2188Glu (NM_001386175.1); c.4411+4814A>G (NM_001386186.2, NM_001386148.2); c.4213+4814A>G (NM_001354269.3); c.4291+4814A>G (NM_001386187.2); c.4252+4814A>G (NM_001386147.1); and 35 more; short protein forms K2071E, K949E, K2149E, K2196E, K2188E.
Identifiers: ClinVar variation 4051001 (VCV004051001.1).

ClinVar aggregate classification (germline): Uncertain significance (1 of 4 stars; one submission).

Conditions:
Cardiovascular phenotype. Identifiers: MedGen CN230736.

Submission:

Ambry Genetics
Classification: Uncertain significance for Cardiovascular phenotype. Last evaluated: 2025-04-24. Review status: criteria provided, single submitter. Criteria: Ambry Variant Classification Scheme 2023. Collection method: clinical testing. Allele origin: germline.
Comment: The p.K2149E variant (also known as c.6445A>G), located in coding exon 38 of the ANK2 gene, results from an A to G substitution at nucleotide position 6445. The lysine at codon 2149 is replaced by glutamic acid, an amino acid with similar properties. This amino acid position is conserved. In addition, this alteration is predicted to be tolerated by in silico analysis. Based on the available evidence, the clinical significance of this variant remains unclear.